The following is an entry in ClinVar:

ClinVar aggregate classification (germline): Uncertain significance (1 of 4 stars; one submission).

Conditions:
Charcot-Marie-Tooth disease axonal type 2Z. Also called: CHARCOT-MARIE-TOOTH DISEASE, AXONAL, AUTOSOMAL DOMINANT, TYPE 2Z; CHARCOT-MARIE-TOOTH NEUROPATHY, TYPE 2Z. Identifiers: Orphanet 466768, MedGen C5569025, MONDO:0014736, OMIM 616688.

Submission:

Labcorp Genetics (formerly Invitae), Labcorp
Classification: Uncertain significance for Charcot-Marie-Tooth disease axonal type 2Z. Last evaluated: 2025-09-02. Review status: criteria provided, single submitter. Criteria: Invitae Variant Classification Sherloc (09022015). Collection method: clinical testing. Allele origin: germline.
Comment: This sequence change replaces glycine, which is neutral and non-polar, with arginine, which is basic and polar, at codon 796 of the MORC2 protein (p.Gly796Arg). This variant is not present in population databases (gnomAD no frequency). This variant has not been reported in the literature in individuals affected with MORC2-related conditions. ClinVar contains an entry for this variant (Variation ID: 2012366). Invitae Evidence Modeling of protein sequence and biophysical properties (such as structural, functional, and spatial information, amino acid conservation, physicochemical variation, residue mobility, and thermodynamic stability) indicates that this missense variant is expected to disrupt MORC2 protein function with a positive predictive value of 95%. In summary, the available evidence is currently insufficient to determine the role of this variant in disease. Therefore, it has been classified as a Variant of Uncertain Significance.

NM_001303256.3(MORC2):c.2386G>A (p.Gly796Arg)

Gene: MORC2 (MORC family CW-type zinc finger 2; minus strand). Cytogenetic location: 22q12.2.
Variant type: single nucleotide variant.
Coding change: c.2386G>A on transcript NM_001303256.3 (MANE Select); coding-DNA position 2386, G replaced by A.
Protein change: p.Gly796Arg; replaces glycine 796 with arginine.
Molecular consequence: missense variant.
Genome position (GRCh38, 1-based): chr22:30,933,025, C>T on the plus strand (G>A on the coding strand, the complement: MORC2 is on the minus strand). VCF-style: chr22-30933025-C-T. GRCh37 (hg19) VCF-style: chr22-31329012-C-T.
Other names: c.2386G>A, p.Gly796Arg (NM_001303257.2); c.2200G>A, p.Gly734Arg (NM_014941.3); short protein forms G734R, G796R.
Identifiers: ClinVar variation 2012366 (VCV002012366.4), dbSNP rs2517571527, ClinGen allele CA411232535.
Genomic context (GRCh38, chr22:30,933,025, plus strand): 5'-CCACGGCTGTGACACGGCCCGTGTACCACTCCCTGTTCACACGCACCTCCACGTGCAGCC[C>T]TTTATCTGACAATGTAGACAGAGGTGCGAGTCAGAAAACTAGCGTAGAGTCCCTCACTTG-3'
Protein context (NP_001290185.1, residues 786-806): ADLKRAQKDK[Gly796Arg]LHVEVRVNRE